The following is an entry in ClinVar:

NM_002576.5(PAK1):c.1262G>T (p.Arg421Leu)

Gene: PAK1 (p21 (RAC1) activated kinase 1; minus strand). Cytogenetic location: 11q13.5.
Variant type: single nucleotide variant.
Coding change: c.1262G>T on transcript NM_002576.5 (MANE Select); coding-DNA position 1262, G replaced by T.
Protein change: p.Arg421Leu; replaces arginine 421 with leucine.
Molecular consequence: missense variant. On other transcripts: non-coding transcript variant (2).
Genome position (GRCh38, 1-based): chr11:77,336,237, C>A on the plus strand (G>T on the coding strand, the complement: PAK1 is on the minus strand). VCF-style: chr11-77336237-C-A. GRCh37 (hg19) VCF-style: chr11-77047282-C-A.
Other names: c.1262G>T, p.Arg421Leu (NM_001128620.2, NM_001376268.1, NM_001376269.1 and 21 more transcripts); c.1283G>T, p.Arg428Leu (NM_001376272.1); c.1139G>T, p.Arg380Leu (NM_001376290.1, NM_001376291.1); c.1253G>T, p.Arg418Leu (NM_001376294.1); c.1085G>T, p.Arg362Leu (NM_001376295.1); c.1013G>T, p.Arg338Leu (NM_001376301.1); c.968G>T, p.Arg323Leu (NM_001376302.1, NM_001376304.1, NM_001376305.1); c.974G>T, p.Arg325Leu (NM_001376303.1); short protein forms R323L, R325L, R338L, R362L, R380L, R418L, R421L, R428L.
Identifiers: ClinVar variation 3390579 (VCV003390579.1).

ClinVar aggregate classification (germline): Uncertain significance (1 of 4 stars; one submission).

Submission:

GeneDx
Classification: Uncertain significance. Last evaluated: 2024-06-11. Review status: criteria provided, single submitter. Criteria: GeneDx Variant Classification Process June 2021. Collection method: clinical testing. Allele origin: germline. Affected: yes.
Comment: Not observed at significant frequency in large population cohorts (gnomAD); In silico analysis supports that this missense variant has a deleterious effect on protein structure/function; Has not been previously published as pathogenic or benign to our knowledge